The following is an entry in ClinVar:

ClinVar aggregate classification (germline): Uncertain significance. Review status: criteria provided, multiple submitters, no conflicts (2 of 4 stars). 4 submissions from 4 submitters: Uncertain significance (4). Last evaluated 2023-05-08.

Conditions:
Cardiomyopathy (CMYO). Also called: Cardiomyopathies. Identifiers: Orphanet 167848, MedGen C0878544, MONDO:0004994, HP:0001638. Inheritance: Various modes of inheritance.
Myopathy, myosin storage, autosomal recessive (CMYO7B). Also called: CONGENITAL MYOPATHY 7B, MYOSIN STORAGE, AUTOSOMAL RECESSIVE. Identifiers: Orphanet 636970, MedGen C1850709, MONDO:0009708, OMIM 255160.
Dilated cardiomyopathy 1S (CMD1S). Identifiers: Orphanet 154, Orphanet 54260, MedGen C1834481, MONDO:0013262, OMIM 613426.
Hypertrophic cardiomyopathy 1 (CMH1). Also called: Familial hypertrophic cardiomyopathy 1; MYH7-Related Familial Hypertrophic Cardiomyopathy. Identifiers: MedGen C3495498, MONDO:0008647, OMIM 192600.
Congenital myopathy with fiber type disproportion. Also called: Congenital fiber-type disproportion myopathy; Congenital fiber-type disproportion. Identifiers: Orphanet 2020, MedGen C0546264, MONDO:0009711. Inheritance: all.
Myosin storage myopathy (CMYO7A). Also called: SCAPULOPERONEAL MUSCULAR DYSTROPHY; SCAPULOPERONEAL SYNDROME, MYOPATHIC TYPE; MYOPATHY, HYALINE BODY, AUTOSOMAL DOMINANT; Scapuloperoneal myopathy, MYH7-related; MYOPATHY WITH LYSIS OF TYPE I MYOFIBRILS; MYH7-related late-onset scapuloperoneal muscular dystrophy. Identifiers: Orphanet 437572, Orphanet 636965, MedGen C1842160, MONDO:0008409, OMIM 608358.
MYH7-related skeletal myopathy. Also called: Myopathy, distal, 1; MYOPATHY, DISTAL, EARLY-ONSET, AUTOSOMAL DOMINANT; MYOPATHY, LATE DISTAL HEREDITARY; Laing distal myopathy; Laing early-onset distal myopathy. Identifiers: Orphanet 59135, MedGen C4552004, MONDO:0008050, OMIM 160500.
Hypertrophic cardiomyopathy. Also called: HYPERTROPHIC MYOCARDIOPATHY. Identifiers: Orphanet 217569, MedGen C0007194, MeSH D002312, MONDO:0005045, HP:0001639.

Submissions (4):

Labcorp Genetics (formerly Invitae), Labcorp
Classification: Uncertain significance for Hypertrophic cardiomyopathy. Last evaluated: 2023-05-08. Review status: criteria provided, single submitter. Criteria: Invitae Variant Classification Sherloc (09022015). Collection method: clinical testing. Allele origin: germline.
Comment: This variant has not been reported in the literature in individuals affected with MYH7-related conditions. ClinVar contains an entry for this variant (Variation ID: 626820). Advanced modeling of protein sequence and biophysical properties (such as structural, functional, and spatial information, amino acid conservation, physicochemical variation, residue mobility, and thermodynamic stability) performed at Invitae indicates that this missense variant is expected to disrupt MYH7 protein function. In summary, the available evidence is currently insufficient to determine the role of this variant in disease. Therefore, it has been classified as a Variant of Uncertain Significance. This variant is not present in population databases (gnomAD no frequency). This sequence change replaces asparagine, which is neutral and polar, with tyrosine, which is neutral and polar, at codon 911 of the MYH7 protein (p.Asn911Tyr).

CHEO Genetics Diagnostic Laboratory, Children's Hospital of Eastern Ontario
Classification: Uncertain significance for Cardiomyopathy. Last evaluated: 2023-02-23. Review status: criteria provided, single submitter. Criteria: ACMG Guidelines, 2015. Collection method: clinical testing. Allele origin: germline. Study: Canadian Open Genetics Repository.

Fulgent Genetics
Classification: Uncertain significance for MYH7-related skeletal myopathy; Myosin storage myopathy; Hypertrophic cardiomyopathy 1; Myopathy, myosin storage, autosomal recessive; Congenital myopathy 4A, autosomal dominant; Dilated cardiomyopathy 1S. Last evaluated: 2021-07-27. Review status: criteria provided, single submitter. Criteria: ACMG Guidelines, 2015. Collection method: clinical testing. Allele origin: unknown.

Color Diagnostics, LLC DBA Color Health
Classification: Uncertain significance for Cardiomyopathy. Last evaluated: 2020-04-27. Review status: criteria provided, single submitter. Criteria: ACMG Guidelines, 2015. Collection method: clinical testing. Allele origin: germline.
Comment: This missense variant replaces asparagine with tyrosine at codon 911 of the MYH7 protein. Computational prediction is inconclusive regarding the impact of this variant on protein structure and function (internally defined REVEL score threshold 0.5 < inconclusive < 0.7, PMID: 27666373). To our knowledge, functional studies have not been reported for this variant. This variant has not been reported in individuals affected with cardiovascular disorders in the literature. This variant has not been identified in the general population by the Genome Aggregation Database (gnomAD). The available evidence is insufficient to determine the role of this variant in disease conclusively. Therefore, this variant is classified as a Variant of Uncertain Significance.

NM_000257.4(MYH7):c.2731A>T (p.Asn911Tyr)

Gene: MYH7 (myosin heavy chain 7; minus strand). Cytogenetic location: 14q11.2.
Variant type: single nucleotide variant.
Coding change: c.2731A>T on transcript NM_000257.4 (MANE Select); coding-DNA position 2731, A replaced by T.
Protein change: p.Asn911Tyr; replaces asparagine 911 with tyrosine.
Molecular consequence: missense variant.
Genome position (GRCh38, 1-based): chr14:23,424,098, T>A on the plus strand (A>T on the coding strand, the complement: MYH7 is on the minus strand). VCF-style: chr14-23424098-T-A. GRCh37 (hg19) VCF-style: chr14-23893307-T-A.
Other names: c.2731A>T (LRG_384t1); short protein forms N911Y.
Identifiers: ClinVar variation 626820 (VCV000626820.13), dbSNP rs1566530777, ClinGen allele CA389047241.